The following is an entry in ClinVar:

ClinVar aggregate classification (germline): Uncertain significance (1 of 4 stars; one submission).

Conditions:
Factor H deficiency (CFHD). Also called: COMPLEMENT FACTOR H DEFICIENCY; CFH DEFICIENCY. Identifiers: Orphanet 200421, MedGen C0398777, MONDO:0012350, OMIM 609814.

Submission:

Genomenon, Inc
Classification: Uncertain significance for Factor H deficiency. Last evaluated: 2026-09-17. Review status: criteria provided, single submitter. Criteria: Genomenon Sequence Variant Interpretation Standards - Updated. Collection method: curation. Allele origin: germline. Affected: yes.
Comment: CFH p.Glu566Lys (c.1696G>A) is a missense variant that changes the amino acid at codon 566 from glutamic acid to lysine. This variant has been observed in at least one proband affected with complement factor H deficiency (PMID: 38041748). It is absent or not present at a significant frequency in gnomAD. In silico models predict that this variant is possibly or probably damaging. In conclusion, we classify CFH p.Glu566Lys (c.1696G>A) as a variant of uncertain significance.

Literature cited by the submitters: PubMed 38041748.

NM_000186.4(CFH):c.1696G>A (p.Glu566Lys)

Gene: CFH (complement factor H; plus strand). Cytogenetic location: 1q31.3.
Variant type: single nucleotide variant.
Coding change: c.1696G>A on transcript NM_000186.4 (MANE Select); coding-DNA position 1696, G replaced by A.
Protein change: p.Glu566Lys; replaces glutamic acid 566 with lysine.
Molecular consequence: missense variant.
Genome position (GRCh38, 1-based): chr1:196,715,769, G>A. VCF-style: chr1-196715769-G-A. GRCh37 (hg19) VCF-style: chr1-196684899-G-A.
Other names: short protein forms E566K.
Identifiers: ClinVar variation 4291414 (VCV004291414.2).